The following is an entry in ClinVar:

NM_001171613.2(PREPL):c.503A>G (p.Tyr168Cys)

Gene: PREPL (prolyl endopeptidase like; minus strand). Cytogenetic location: 2p21.
Variant type: single nucleotide variant.
Coding change: c.503A>G on transcript NM_001171613.2 (MANE Select); coding-DNA position 503, A replaced by G.
Protein change: p.Tyr168Cys; replaces tyrosine 168 with cysteine.
Molecular consequence: missense variant.
Genome position (GRCh38, 1-based): chr2:44,339,346, T>C on the plus strand (A>G on the coding strand, the complement: PREPL is on the minus strand). VCF-style: chr2-44339346-T-C. GRCh37 (hg19) VCF-style: chr2-44566485-T-C.
Other names: c.770A>G, p.Tyr257Cys (NM_001042385.2, NM_001042386.2, NM_001171603.1 and 4 more transcripts); c.503A>G, p.Tyr168Cys (NM_001171617.1, NM_001374277.1); short protein forms Y257C, Y168C.
Identifiers: ClinVar variation 1438456 (VCV001438456.6), dbSNP rs775248800, ClinGen allele CA1641436.

ClinVar aggregate classification (germline): Uncertain significance (1 of 4 stars; one submission).

Conditions:
Myasthenic syndrome, congenital, 22 (CMS22). Also called: PREPL DEFICIENCY. Identifiers: MedGen C4479088, MONDO:0044299, OMIM 616224.

Allele frequency attached by ClinVar (database versions not stated): ExAC 0.00001; gnomAD 0.00001; gnomAD exomes 0.00002.

Submission:

Labcorp Genetics (formerly Invitae), Labcorp
Classification: Uncertain significance for Myasthenic syndrome, congenital, 22. Last evaluated: 2021-09-19. Review status: criteria provided, single submitter. Criteria: Invitae Variant Classification Sherloc (09022015). Collection method: clinical testing. Allele origin: germline.
Comment: This sequence change replaces tyrosine with cysteine at codon 257 of the PREPL protein (p.Tyr257Cys). The tyrosine residue is moderately conserved and there is a large physicochemical difference between tyrosine and cysteine. This variant is present in population databases (rs775248800, ExAC 0.002%). In summary, the available evidence is currently insufficient to determine the role of this variant in disease. Therefore, it has been classified as a Variant of Uncertain Significance. Algorithms developed to predict the effect of missense changes on protein structure and function are either unavailable or do not agree on the potential impact of this missense change (SIFT: "Deleterious"; PolyPhen-2: "Probably Damaging"; Align-GVGD: "Class C0"). This variant has not been reported in the literature in individuals affected with PREPL-related conditions.